The following is an entry in ClinVar:

NM_000181.4(GUSB):c.1429C>T (p.Arg477Trp)

Gene: GUSB (glucuronidase beta; minus strand). Cytogenetic location: 7q11.21.
Variant type: single nucleotide variant.
Coding change: c.1429C>T on transcript NM_000181.4 (MANE Select); coding-DNA position 1429, C replaced by T.
Protein change: p.Arg477Trp; replaces arginine 477 with tryptophan.
Molecular consequence: missense variant.
Genome position (GRCh38, 1-based): chr7:65,970,329, G>A on the plus strand (C>T on the coding strand, the complement: GUSB is on the minus strand). VCF-style: chr7-65970329-G-A. GRCh37 (hg19) VCF-style: chr7-65435316-G-A.
Other names: c.991C>T, p.Arg331Trp (NM_001284290.2); c.859C>T, p.Arg287Trp (NM_001293104.2); c.772C>T, p.Arg258Trp (NM_001293105.2); short protein forms R477W, R331W, R258W, R287W.
Identifiers: ClinVar variation 599019 (VCV000599019.13), dbSNP rs774393243, ClinGen allele CA4276270.
Genomic context (GRCh38, chr7:65,970,329, plus strand): 5'-CCCCCAGGCTCACCCCCTTGTCTGCTGCATAGTTAGAGTTGCTCACAAAGGTCACAGGCC[G>A]GGAGGGGTCCAAGGATTTGGTGTGAGCGATCACCATCCTGTCCACAAAAGGCAGAAGAAA-3'
Protein context (NP_000172.2, residues 467-487): IAHTKSLDPS[Arg477Trp]PVTFVSNSNY

ClinVar aggregate classification (germline): Conflicting classifications of pathogenicity. Review status: criteria provided, conflicting classifications (1 of 4 stars). 7 submissions from 7 submitters: Pathogenic (2); Likely pathogenic (2); Uncertain significance (1). 2 of the submissions do not count toward it. Last evaluated 2026-01-26.

Conditions:
GUSB-related disorder. Also called: GUSB-related condition.
Mucopolysaccharidosis type 7 (MPS7). Also called: MPS VII; BETA-GLUCURONIDASE DEFICIENCY; GUSB DEFICIENCY; SLY SYNDROME. Identifiers: Orphanet 584, MedGen C0085132, MONDO:0009662, OMIM 253220.

Allele frequency attached by ClinVar (database versions not stated): gnomAD exomes 0.00001 and 0.00002; TOPMed 0.00001; ExAC 0.00002.
gnomAD v4.1: 11 of 1,613,326 alleles (0.00068%); highest among the groups gnomAD compares: Admixed American, 0.0017%; no homozygotes.

Submissions (7):

PreventionGenetics, part of Exact Sciences
Classification: Likely pathogenic for GUSB-related condition. Last evaluated: 2026-01-26. Review status: criteria provided, single submitter. Criteria: ACMG Guidelines, 2015. Collection method: clinical testing. Allele origin: germline.
Comment: The GUSB c.1429C>T variant is predicted to result in the amino acid substitution p.Arg477Trp. This variant has been reported in the homozygous state in multiple individuals with severe mucopolysaccharidosis presenting as nonimmune hydrops fetalis with perinatal demise (Vervoort et al. 1996. PubMed ID: 8644704; Shamseldin et al. 2017. PubMed ID: 28749478; Table S1, Shamseldin et al. 2021. PubMed ID: 34645488; Al-Hamed et al. 2021. PubMed ID: 34853893). An in vitro experimental study using COS7 cells suggests this variant markedly reduces β-glucuronidase enzyme activity to 0.7% of wildtype (Vervoort et al. 1996. PubMed ID: 8644704). This variant is reported in 0.0035% of alleles in individuals of European (non-Finnish) descent in gnomAD. This variant is interpreted as likely pathogenic.

Fulgent Genetics
Classification: Pathogenic for Mucopolysaccharidosis type 7. Last evaluated: 2024-03-11. Review status: criteria provided, single submitter. Criteria: ACMG Guidelines, 2015. Collection method: clinical testing. Allele origin: germline.

Genomic Medicine Center of Excellence, King Faisal Specialist Hospital and Research Centre
Classification: Likely pathogenic for Mucopolysaccharidosis type 7. Last evaluated: 2024-02-11. Review status: criteria provided, single submitter. Criteria: ACMG Guidelines, 2015. Collection method: research. Allele origin: germline.

Centre for Mendelian Genomics, University Medical Centre Ljubljana
Classification: Uncertain significance for Mucopolysaccharidosis type 7. Last evaluated: 2020-03-25. Review status: criteria provided, single submitter. Criteria: ACMG Guidelines, 2015. Collection method: clinical testing. Allele origin: unknown. Affected: yes.
Comment: This variant was classified as: Uncertain significance. The available evidence favors the pathogenic nature of this variant, however the currently available data is insufficient to conclusively support its pathogenic nature. Thus this variant is classified as Uncertain significance - favor pathogenic. The following ACMG criteria were applied in classifying this variant: PM2,PP3,PM3_SUPP.

Baylor Genetics
Classification: Pathogenic for Mucopolysaccharidosis type 7. Last evaluated: 2020-01-23. Review status: criteria provided, single submitter. Criteria: ACMG Guidelines, 2015. Collection method: clinical testing. Allele origin: unknown. Affected: yes.
Comment: This variant was determined to be pathogenic according to ACMG Guidelines, 2015 [PMID:25741868].

Biochemical Molecular Genetic Laboratory, King Abdulaziz Medical City
Classification: Pathogenic for Mucopolysaccharidosis type 7. Last evaluated: 2020-09-10. Review status: no assertion criteria provided. Collection method: clinical testing. Allele origin: germline. Affected: yes. Not counted in ClinVar's aggregate classification.

Pathology and Clinical Laboratory Medicine, King Fahad Medical City
Classification: Pathogenic for Mucopolysaccharidosis type 7. Last evaluated: 2018-12-03. Review status: no assertion criteria provided. Criteria: ACMG Guidelines, 2015. Collection method: clinical testing. Allele origin: germline. Inheritance: Autosomal recessive inheritance. Affected: yes. Not counted in ClinVar's aggregate classification.